The following is an entry in ClinVar:

NM_133510.4(RAD51B):c.482C>G (p.Pro161Arg)

Gene: RAD51B (RAD51 paralog B; plus strand). Cytogenetic location: 14q24.1.
Variant type: single nucleotide variant.
Coding change: c.482C>G on transcript NM_133510.4 (MANE Select); coding-DNA position 482, C replaced by G.
Protein change: p.Pro161Arg; replaces proline 161 with arginine.
Molecular consequence: missense variant.
Genome position (GRCh38, 1-based): chr14:67,885,898, C>G. VCF-style: chr14-67885898-C-G. GRCh37 (hg19) VCF-style: chr14-68352615-C-G.
Other names: c.482C>G, p.Pro161Arg (NM_001321812.1, NM_001321814.2, NM_001321818.2 and 6 more transcripts); c.368C>G, p.Pro123Arg (NM_001321815.1); c.125C>G, p.Pro42Arg (NM_001321817.2); short protein forms P123R, P161R, P42R.
Identifiers: ClinVar variation 4149851 (VCV004149851.1).

ClinVar aggregate classification (germline): Uncertain significance (1 of 4 stars; one submission).

Submission:

Ambry Genetics
Classification: Uncertain significance. Last evaluated: 2025-08-15. Review status: criteria provided, single submitter. Criteria: Ambry Variant Classification Scheme 2023. Collection method: clinical testing. Allele origin: germline.
Comment: The p.P161R variant (also known as c.482C>G), located in coding exon 5 of the RAD51B gene, results from a C to G substitution at nucleotide position 482. The proline at codon 161 is replaced by arginine, an amino acid with dissimilar properties. This amino acid position is conserved. In addition, the in silico prediction for this alteration is inconclusive. Based on the available evidence, the clinical significance of this variant remains unclear.